The following is an entry in ClinVar:

NC_000002.11:g.(?_44553841)_(44566512_?)del

Gene: PREPL (prolyl endopeptidase like; minus strand). Cytogenetic location: 2p21.
Variant type: Deletion.
Identifiers: ClinVar variation 1458585 (VCV001458585.6).

ClinVar aggregate classification (germline): Pathogenic (1 of 4 stars; one submission).

Conditions:
Myasthenic syndrome, congenital, 22 (CMS22). Also called: PREPL DEFICIENCY. Identifiers: MedGen C4479088, MONDO:0044299, OMIM 616224.

Submission:

Labcorp Genetics (formerly Invitae), Labcorp
Classification: Pathogenic for Myasthenic syndrome, congenital, 22. Last evaluated: 2021-02-11. Review status: criteria provided, single submitter. Criteria: Invitae Variant Classification Sherloc (09022015). Collection method: clinical testing. Allele origin: germline.
Comment: For these reasons, this variant has been classified as Pathogenic. This variant has not been reported in the literature in individuals with PREPL-related conditions. This variant is a gross deletion of the genomic region encompassing exon(s) 6-10 of the PREPL gene. This deletion is out-of-frame, and is expected to create a premature translational stop signal and result in an absent or disrupted protein product. Loss-of-function variants in PREPL are known to be pathogenic (PMID: 24610330, 28726805, 29913539).

Literature cited by the submitters: PubMed 24610330; PubMed 28726805; PubMed 29913539.